The following is an entry in ClinVar:

NM_002353.3(TACSTD2):c.*226C>A

Gene: TACSTD2 (tumor associated calcium signal transducer 2; minus strand). Cytogenetic location: 1p32.1.
Variant type: single nucleotide variant.
Coding change: c.*226C>A on transcript NM_002353.3 (MANE Select); 226 bases downstream of the stop codon, C replaced by A.
Molecular consequence: 3 prime UTR variant.
Genome position (GRCh38, 1-based): chr1:58,575,959, G>T on the plus strand (C>A on the coding strand, the complement: TACSTD2 is on the minus strand). VCF-style: chr1-58575959-G-T. GRCh37 (hg19) VCF-style: chr1-59041631-G-T.
Identifiers: ClinVar variation 297757 (VCV000297757.5), dbSNP rs80012655, ClinGen allele CA10610206.

ClinVar aggregate classification (germline): Benign (1 of 4 stars; one submission).

Conditions:
Gelatinous droplike corneal dystrophy (GDLD). Also called: AMYLOID CORNEAL DYSTROPHY, JAPANESE TYPE. Identifiers: Orphanet 98957, MedGen C0339273, MONDO:0008777, OMIM 204870.

Allele frequency attached by ClinVar (database versions not stated): gnomAD 0.02100 and 0.02262; TOPMed 0.02373; 1000 Genomes Project 0.02376; 1000 Genomes Project 30x 0.02467.
gnomAD v4.1: 4,331 of 594,284 alleles (0.73%); highest among the groups gnomAD compares: African/African-American, 7.1%; 147 homozygotes.

Submission:

Illumina Laboratory Services, Illumina
Classification: Benign for Gelatinous droplike corneal dystrophy. Last evaluated: 2018-01-13. Review status: criteria provided, single submitter. Criteria: ICSL Variant Classification Criteria 13 December 2019. Collection method: clinical testing. Allele origin: germline.
Comment: This variant was observed in the ICSL laboratory as part of a predisposition screen in an ostensibly healthy population. It had not been previously curated by ICSL or reported in the Human Gene Mutation Database (HGMD: prior to June 1st, 2018), and was therefore a candidate for classification through an automated scoring system. Utilizing variant allele frequency, disease prevalence and penetrance estimates, and inheritance mode, an automated score was calculated to assess if this variant is too frequent to cause the disease. Based on the score and internal cut-off values, a variant classified as benign is not then subjected to further curation. The score for this variant resulted in a classification of benign for this disease.